The following is an entry in ClinVar:

NM_000169.3(GLA):c.877C>G (p.Pro293Ala)

Genes: GLA (galactosidase alpha; minus strand), RPL36A-HNRNPH2 (RPL36A-HNRNPH2 readthrough; plus strand). Cytogenetic location: Xq22.1.
Variant type: single nucleotide variant.
Coding change: c.877C>G on transcript NM_000169.3 (MANE Select); coding-DNA position 877, C replaced by G.
Protein change: p.Pro293Ala; replaces proline 293 with alanine.
Molecular consequence: missense variant. On other transcripts: non-coding transcript variant (3), intron variant (2).
Genome position (GRCh38, 1-based): chrX:101,398,492, G>C on the plus strand (C>G on the coding strand, the complement: GLA is on the minus strand). VCF-style: chrX-101398492-G-C. GRCh37 (hg19) VCF-style: chrX-100653480-G-C.
Other names: c.1000C>G, p.Pro334Ala (NM_001406747.1); c.877C>G, p.Pro293Ala (NM_001406748.1); c.300+3035G>C (NM_001199973.2); c.177+6670G>C (NM_001199974.2); short protein forms P293A, P334A.
Identifiers: ClinVar variation 4087562 (VCV004087562.2).
Genomic context (GRCh38, chrX:101,398,492, plus strand): 5'-CCTGAAGGAGAGCTTTGGCTTGAGGGCTGATGTGTCGGAGGTCATTAGACATGAATAAAG[G>C]AGCAGCCATGATAGCCCAGAGGGCCATCTGAGTTACTTGCTGATTCCAGCTGAGGCCAAA-3'
Protein context (NP_000160.1, residues 283-303): QMALWAIMAA[Pro293Ala]LFMSNDLRHI

ClinVar aggregate classification (germline): Likely pathogenic (1 of 4 stars; one submission).

Conditions:
Fabry disease. Also called: ALPHA-GALACTOSIDASE A DEFICIENCY; ANDERSON-FABRY DISEASE; CERAMIDE TRIHEXOSIDASE DEFICIENCY; GLA DEFICIENCY; HEREDITARY DYSTOPIC LIPIDOSIS; Angiokeratoma corporis diffusum. Identifiers: Orphanet 324, MedGen C0002986, MONDO:0010526, OMIM 301500, HP:0001071. Disease mechanism: Fabry disease is due to inactivating mutations in the X-linked GLA gene resulting in deficiency of the enzyme Alpha Galactosidase-A., loss of function.

Submission:

Genomenon, Inc
Classification: Likely pathogenic for Fabry disease. Last evaluated: 2026-09-08. Review status: criteria provided, single submitter. Criteria: Genomenon Sequence Variant Interpretation Standards - Updated. Collection method: curation. Allele origin: germline. Affected: yes.
Comment: GLA p.Pro293Ala (c.877C>G) is a missense variant that changes the amino acid at codon 293 from Proline to Alanine. This variant has been observed in at least one proband with clinical features consistent with Fabry disease (PMID:12175777). At least one functional study has demonstrated a substantial alteration in protein function relative to the wild-type (PMID:27657681). It is absent or not present at a significant frequency in gnomAD. In silico models predict that this variant is possibly or probably damaging. In conclusion, we classify GLA p.Pro293Ala (c.877C>G) as a likely pathogenic variant.

Literature cited by the submitters: PubMed 12175777; PubMed 27657681.